The following is an entry in ClinVar:

ClinVar aggregate classification (germline): Uncertain significance (1 of 4 stars; one submission).

Conditions:
Retinoblastoma (RB1). Also called: RETINOBLASTOMA, SOMATIC. Identifiers: Orphanet 790, MedGen C0035335, MeSH D012175, MONDO:0008380, OMIM 180200, HP:0009919. Disease mechanism: loss of function. Inheritance: Both sporadic and heritable forms are tested..

Submission:

Labcorp Genetics (formerly Invitae), Labcorp
Classification: Uncertain significance for Retinoblastoma. Last evaluated: 2024-06-25. Review status: criteria provided, single submitter. Criteria: Invitae Variant Classification Sherloc (09022015). Collection method: clinical testing. Allele origin: germline.
Comment: This variant occurs in a non-coding region of the RB1 gene. It does not change the encoded amino acid sequence of the RB1 protein. This variant is not present in population databases (gnomAD no frequency). This variant has not been reported in the literature in individuals affected with RB1-related conditions. Experimental studies and prediction algorithms are not available or were not evaluated, and the functional significance of this variant is currently unknown. Experimental studies and prediction algorithms are not available or were not evaluated, and the effect of this variant on mRNA splicing is currently unknown. In summary, the available evidence is currently insufficient to determine the role of this variant in disease. Therefore, it has been classified as a Variant of Uncertain Significance.

NC_000013.11:g.48303724G>A

Gene: RB1 (RB transcriptional corepressor 1; plus strand). Cytogenetic location: 13q14.2.
Variant type: single nucleotide variant.
Genome position: GRCh38 VCF-style: chr13-48303724-G-A. GRCh37 (hg19) VCF-style: chr13-48877860-G-A.
Identifiers: ClinVar variation 3730023 (VCV003730023.2).